The following is an entry in ClinVar:

ClinVar aggregate classification (germline): Uncertain significance. Review status: criteria provided, multiple submitters, no conflicts (2 of 4 stars). 3 submissions from 3 submitters: Uncertain significance (3). Last evaluated 2025-07-02.

Conditions:
Ehlers-Danlos syndrome, type 4 (EDSVASC). Also called: Ehlers-Danlos Syndrome Type IV; Ehlers-Danlos syndrome vascular type; Ehlers Danlos syndrome, ecchymotic type; Ehlers Danlos syndrome, arterial type; Ehlers Danlos syndrome, Sack-Barabas type. Identifiers: Orphanet 286, MedGen C0268338, MONDO:0017314, OMIM 130050.
Familial thoracic aortic aneurysm and aortic dissection (TAAD). Also called: Thoracic aortic aneurysms and dissections. Identifiers: Orphanet 91387, MedGen C4707243, MONDO:0019625.

Allele frequency attached by ClinVar (database versions not stated): gnomAD exomes below 0.00001.

Submissions (3):

Color Diagnostics, LLC DBA Color Health
Classification: Uncertain significance for Familial thoracic aortic aneurysm and aortic dissection. Last evaluated: 2025-07-02. Review status: criteria provided, single submitter. Criteria: ACMG Guidelines, 2015. Collection method: clinical testing. Allele origin: germline.
Comment: This missense variant replaces methionine with valine at codon 1379 of the COL3A1 protein. Computational prediction is inconclusive regarding the impact of this variant on protein structure and function. To our knowledge, functional studies have not been reported for this variant. This variant has not been reported in individuals affected with COL3A1-related disorders in the literature. This variant has not been identified in the general population by the Genome Aggregation Database (gnomAD). The available evidence is insufficient to determine the role of this variant in disease conclusively. Therefore, this variant is classified as a Variant of Uncertain Significance.

Labcorp Genetics (formerly Invitae), Labcorp
Classification: Uncertain significance for Ehlers-Danlos syndrome, type 4. Last evaluated: 2024-11-04. Review status: criteria provided, single submitter. Criteria: Invitae Variant Classification Sherloc (09022015). Collection method: clinical testing. Allele origin: germline.
Comment: This sequence change replaces methionine, which is neutral and non-polar, with valine, which is neutral and non-polar, at codon 1379 of the COL3A1 protein (p.Met1379Val). This variant is not present in population databases (gnomAD no frequency). This variant has not been reported in the literature in individuals affected with COL3A1-related conditions. ClinVar contains an entry for this variant (Variation ID: 404294). Invitae Evidence Modeling of protein sequence and biophysical properties (such as structural, functional, and spatial information, amino acid conservation, physicochemical variation, residue mobility, and thermodynamic stability) indicates that this missense variant is not expected to disrupt COL3A1 protein function with a negative predictive value of 95%. In summary, the available evidence is currently insufficient to determine the role of this variant in disease. Therefore, it has been classified as a Variant of Uncertain Significance.

All of Us Research Program, National Institutes of Health
Classification: Uncertain significance for Ehlers-Danlos syndrome, type 4. Last evaluated: 2023-05-16. Review status: criteria provided, single submitter. Criteria: ACMG Guidelines, 2015. Collection method: clinical testing. Allele origin: germline. Inheritance: Autosomal dominant inheritance. Observed: 1 variant allele, 1 heterozygote.
Comment: This missense variant replaces methionine with valine at codon 1379 of the COL3A1 protein. Computational prediction is inconclusive regarding the impact of this variant on protein structure and function (internally defined REVEL score threshold 0.5 < inconclusive < 0.7, PMID: 27666373). To our knowledge, functional studies have not been reported for this variant. This variant has not been reported in individuals affected with COL3A1-related disorders in the literature. This variant has not been identified in the general population by the Genome Aggregation Database (gnomAD). The available evidence is insufficient to determine the role of this variant in disease conclusively. Therefore, this variant is classified as a Variant of Uncertain Significance.

This study involves interpretation of variants in research participants for the purpose of population health screening. Participant phenotype was not available at the time of variant classification. Additional details can be found in publication PMID: 35346344, PMCID: PMC8962531

NM_000090.4(COL3A1):c.4135A>G (p.Met1379Val)

Gene: COL3A1 (collagen type III alpha 1 chain; plus strand). Cytogenetic location: 2q32.2.
Variant type: single nucleotide variant.
Coding change: c.4135A>G on transcript NM_000090.4 (MANE Select); coding-DNA position 4135, A replaced by G.
Protein change: p.Met1379Val; replaces methionine 1379 with valine.
Molecular consequence: missense variant.
Genome position (GRCh38, 1-based): chr2:189,010,771, A>G. VCF-style: chr2-189010771-A-G. GRCh37 (hg19) VCF-style: chr2-189875497-A-G.
Other names: short protein forms M1379V.
Identifiers: ClinVar variation 404294 (VCV000404294.5), dbSNP rs1060500196, ClinGen allele CA16610669.